The following is an entry in ClinVar:

ClinVar aggregate classification (germline): Likely benign. Review status: criteria provided, multiple submitters, no conflicts (2 of 4 stars). 2 submissions from 2 submitters: Likely benign (2). Last evaluated 2025-10-11.

Conditions:
Early-infantile DEE. Also called: Early infantile epileptic encephalopathy with suppression bursts; Early infantile epileptic encephalopathy; Ohtahara syndrome. Identifiers: Orphanet 1934, MedGen C0393706, MONDO:0800491.

Allele frequency attached by ClinVar (database versions not stated): gnomAD 0.00001 and 0.00002; TOPMed 0.00002; gnomAD exomes 0.00006; ExAC 0.00007; ESP Exome Variant Server 0.00008; 1000 Genomes Project 30x 0.00016; 1000 Genomes Project 0.00020.
gnomAD v4.1: 75 of 1,614,170 alleles (0.0046%); highest among the groups gnomAD compares: East Asian, 0.016%; no homozygotes.

Submissions (2):

Labcorp Genetics (formerly Invitae), Labcorp
Classification: Likely benign for Early-infantile DEE. Last evaluated: 2025-10-11. Review status: criteria provided, single submitter. Criteria: Invitae Variant Classification Sherloc (09022015). Collection method: clinical testing. Allele origin: germline.

GeneDx
Classification: Likely benign. Last evaluated: 2017-10-17. Review status: criteria provided, single submitter. Criteria: GeneDx Variant Classification (06012015). Collection method: clinical testing. Allele origin: germline. Affected: yes.
Comment: This variant is considered likely benign or benign based on one or more of the following criteria: it is a conservative change, it occurs at a poorly conserved position in the protein, it is predicted to be benign by multiple in silico algorithms, and/or has population frequency not consistent with disease.

NM_001130438.3(SPTAN1):c.7013+19G>A

Gene: SPTAN1 (spectrin alpha, non-erythrocytic 1; plus strand). Cytogenetic location: 9q34.11.
Variant type: single nucleotide variant.
Coding change: c.7013+19G>A on transcript NM_001130438.3 (MANE Select); 19 bases into the intron after coding-DNA position 7013, G replaced by A.
Molecular consequence: intron variant.
Genome position (GRCh38, 1-based): chr9:128,632,503, G>A. VCF-style: chr9-128632503-G-A. GRCh37 (hg19) VCF-style: chr9-131394782-G-A.
Other names: c.7076+19G>A (NM_001363759.2); c.6998+19G>A (NM_003127.4); c.6953+19G>A (NM_001363765.2); c.6938+19G>A (NM_001195532.2).
Identifiers: ClinVar variation 512827 (VCV000512827.4), dbSNP rs370654629, ClinGen allele CA5265962.